The following is an entry in ClinVar:

ClinVar aggregate classification (germline): Uncertain significance (1 of 4 stars; one submission).

Conditions:
Autosomal dominant nonsyndromic hearing loss 65. Also called: Deafness, autosomal dominant 65; TBC1D24-Related Autosomal Dominant Nonsyndromic Hearing Loss (DFNA). Identifiers: Orphanet 90635, MedGen C3892048, MONDO:0014470, OMIM 616044.
Developmental and epileptic encephalopathy, 1 (DEE1). Also called: X-linked infantile spasms; West's syndrome; Tonic spasms with clustering, arrest of psychomotor development and hypsarrhythmia on EEG; X-Linked Infantile Spasm Syndrome; OHTAHARA SYNDROME, X-LINKED; INFANTILE SPASM SYNDROME, X-LINKED 1. Identifiers: MedGen C3463992, MONDO:0010632, OMIM 308350. Disease mechanism: loss of function.

gnomAD v4.1: 2 of 1,613,446 alleles (0.00012%); highest among the groups gnomAD compares: African/African-American, 0.0027%; no homozygotes.

Submission:

Labcorp Genetics (formerly Invitae), Labcorp
Classification: Uncertain significance for Developmental and epileptic encephalopathy, 1; Autosomal dominant nonsyndromic hearing loss 65. Last evaluated: 2022-11-22. Review status: criteria provided, single submitter. Criteria: Invitae Variant Classification Sherloc (09022015). Collection method: clinical testing. Allele origin: germline.
Comment: In summary, the available evidence is currently insufficient to determine the role of this variant in disease. Therefore, it has been classified as a Variant of Uncertain Significance. Advanced modeling of protein sequence and biophysical properties (such as structural, functional, and spatial information, amino acid conservation, physicochemical variation, residue mobility, and thermodynamic stability) performed at Invitae indicates that this missense variant is not expected to disrupt TBC1D24 protein function. ClinVar contains an entry for this variant (Variation ID: 1487746). This variant has not been reported in the literature in individuals affected with TBC1D24-related conditions. This variant is present in population databases (no rsID available, gnomAD 0.01%). This sequence change replaces threonine, which is neutral and polar, with arginine, which is basic and polar, at codon 66 of the TBC1D24 protein (p.Thr66Arg).

NM_001199107.2(TBC1D24):c.197C>G (p.Thr66Arg)

Gene: TBC1D24 (TBC1 domain family member 24; plus strand). Cytogenetic location: 16p13.3.
Variant type: single nucleotide variant.
Coding change: c.197C>G on transcript NM_001199107.2 (MANE Select); coding-DNA position 197, C replaced by G.
Protein change: p.Thr66Arg; replaces threonine 66 with arginine.
Molecular consequence: missense variant.
Genome position (GRCh38, 1-based): chr16:2,496,345, C>G. VCF-style: chr16-2496345-C-G. GRCh37 (hg19) VCF-style: chr16-2546346-C-G.
Other names: c.197C>G, p.Thr66Arg (NM_020705.3); short protein forms T66R.
Identifiers: ClinVar variation 1487746 (VCV001487746.8), dbSNP rs371245371, ClinGen allele CA394374944.